The following is an entry in ClinVar:

NM_017635.5(KMT5B):c.1596G>C (p.Ser532=)

Gene: KMT5B (lysine methyltransferase 5B; minus strand). Cytogenetic location: 11q13.2.
Variant type: single nucleotide variant.
Coding change: c.1596G>C on transcript NM_017635.5 (MANE Select); coding-DNA position 1596, G replaced by C.
Protein change: p.Ser532=; no amino-acid change (serine 532 retained).
Molecular consequence: synonymous variant.
Genome position (GRCh38, 1-based): chr11:68,158,750, C>G on the plus strand (G>C on the coding strand, the complement: KMT5B is on the minus strand). VCF-style: chr11-68158750-C-G. GRCh37 (hg19) VCF-style: chr11-67926217-C-G.
Other names: c.1596G>C, p.Ser532= (NM_001369426.1); c.1080G>C, p.Ser360= (NM_001369428.1, NM_001369429.1, NM_001369430.1 and 4 more transcripts); c.876G>C, p.Ser292= (NM_001300908.2).
Identifiers: ClinVar variation 4873028 (VCV004873028.2).

ClinVar aggregate classification (germline): Likely benign (1 of 4 stars; one submission).

Submission:

CeGaT Center for Human Genetics Tuebingen
Classification: Likely benign. Last evaluated: 2026-04-01. Review status: criteria provided, single submitter. Criteria: CeGaT Center For Human Genetics Tuebingen Variant Classification Criteria Version 2. Collection method: clinical testing. Allele origin: germline. Affected: yes. Observed: 1 variant allele.
Comment: KMT5B: PM2:Supporting, BP4, BP7